The following is an entry in ClinVar:

ClinVar aggregate classification (germline): Benign. Review status: criteria provided, multiple submitters, no conflicts (2 of 4 stars). 4 submissions from 4 submitters: Benign (4). Last evaluated 2026-01-27.

Conditions:
Cardiac arrhythmia, ankyrin-B-related. Also called: ANKYRIN-B SYNDROME. Identifiers: Orphanet 101016, Orphanet 768, MedGen C1970119, MONDO:0010958, OMIM 600919.
Long QT syndrome (LQTS). Identifiers: MedGen C0023976, MeSH D008133, MONDO:0002442. Disease mechanism: loss of function. Inheritance: Various modes of inheritance.

Allele frequency attached by ClinVar (database versions not stated): gnomAD exomes 0.00005 and 0.00017; ExAC 0.00021; gnomAD 0.00062 and 0.00066; ESP Exome Variant Server 0.00069; TOPMed 0.00071; 1000 Genomes Project 30x 0.00094; 1000 Genomes Project 0.00120.
gnomAD v4.1: 170 of 1,612,398 alleles (0.011%); highest among the groups gnomAD compares: African/African-American, 0.21%; 1 homozygote.

Submissions (4):

Labcorp Genetics (formerly Invitae), Labcorp
Classification: Benign for Long QT syndrome. Last evaluated: 2026-01-27. Review status: criteria provided, single submitter. Criteria: Invitae Variant Classification Sherloc (09022015). Collection method: clinical testing. Allele origin: germline.

Women's Health and Genetics/Laboratory Corporation of America, LabCorp
Classification: Benign. Last evaluated: 2025-04-17. Review status: criteria provided, single submitter. Criteria: LabCorp Variant Classification Summary - May 2015. Collection method: clinical testing. Allele origin: germline.

Genome-Nilou Lab
Classification: Benign for Cardiac arrhythmia, ankyrin-B-related. Last evaluated: 2021-12-05. Review status: criteria provided, single submitter. Criteria: ACMG Guidelines, 2015. Collection method: clinical testing. Allele origin: germline. Affected: no.

GeneDx
Classification: Benign. Last evaluated: 2015-10-22. Review status: criteria provided, single submitter. Criteria: GeneDx Variant Classification (06012015). Collection method: clinical testing. Allele origin: germline. Affected: yes.
Comment: This variant is considered likely benign or benign based on one or more of the following criteria: it is a conservative change, it occurs at a poorly conserved position in the protein, it is predicted to be benign by multiple in silico algorithms, and/or has population frequency not consistent with disease.

NM_001148.6(ANK2):c.11694+19T>A

Gene: ANK2 (ankyrin 2; plus strand). Cytogenetic location: 4q26.
Variant type: single nucleotide variant.
Coding change: c.11694+19T>A on transcript NM_001148.6 (MANE Select); 19 bases into the intron after coding-DNA position 11694, T replaced by A.
Molecular consequence: intron variant.
Genome position (GRCh38, 1-based): chr4:113,373,192, T>A. VCF-style: chr4-113373192-T-A. GRCh37 (hg19) VCF-style: chr4-114294348-T-A.
Other names: c.5424+19T>A (NM_001386186.2, NM_001386148.2); c.5226+19T>A (NM_001354269.3); c.5304+19T>A (NM_001386187.2); c.5265+19T>A (NM_001386147.1); c.5283+19T>A (NM_001386160.1); c.5388+19T>A (NM_001354254.2); c.5502+19T>A (NM_001354239.2); c.5409+19T>A (NM_001354252.2); and 44 more.
Identifiers: ClinVar variation 377482 (VCV000377482.12), dbSNP rs114122425, ClinGen allele CA3052352.